The following is an entry in ClinVar:

NM_003242.6(TGFBR2):c.263+17A>C

Gene: TGFBR2 (transforming growth factor beta receptor 2; plus strand). Cytogenetic location: 3p24.1.
Variant type: single nucleotide variant.
Coding change: c.263+17A>C on transcript NM_003242.6 (MANE Select); 17 bases into the intron after coding-DNA position 263, A replaced by C.
Molecular consequence: intron variant.
Genome position (GRCh38, 1-based): chr3:30,644,932, A>C. VCF-style: chr3-30644932-A-C. GRCh37 (hg19) VCF-style: chr3-30686424-A-C.
Other names: c.158+17A>C (NM_001407129.1, NM_001407132.1, NM_001407136.1 and 3 more transcripts); c.338+17A>C (NM_001407126.1, NM_001024847.3, NM_001407139.1); c.169+21659A>C (NM_001407137.1); c.263+17A>C (NM_001407127.1, NM_001407130.1); c.95-26706A>C (NM_001407138.1); c.290+17A>C (NM_001407128.1).
Identifiers: ClinVar variation 378728 (VCV000378728.14), dbSNP rs34771516, ClinGen allele CA047604.

ClinVar aggregate classification (germline): Benign/Likely benign. Review status: criteria provided, multiple submitters, no conflicts (2 of 4 stars). 6 submissions from 6 submitters: Benign (1); Likely benign (5). Last evaluated 2026-01-18.

Conditions:
Familial thoracic aortic aneurysm and aortic dissection (TAAD). Also called: Thoracic aortic aneurysms and dissections. Identifiers: Orphanet 91387, MedGen C4707243, MONDO:0019625.
Loeys-Dietz syndrome 2 (LDS2). Also called: Marfan Syndrome type 2; Marfan like connective tissue disorder; MFS 2; TGFBR2-Related Loeys-Dietz Syndrome; AORTIC ANEURYSM, FAMILIAL THORACIC 3; MARFAN SYNDROME, TYPE II. Identifiers: Orphanet 284973, Orphanet 558, MedGen C2674574, MONDO:0012427, OMIM 610168.
Colorectal cancer, hereditary nonpolyposis, type 6. Also called: Colon cancer, hereditary nonpolyposis, type 6; Colon cancer, hereditary nonpolyposis, type 6, somatic. Identifiers: Orphanet 144, MedGen C1860896, MONDO:0013695, OMIM 614331.
Malignant tumor of esophagus. Also called: Esophageal cancer, somatic; Esophageal cancer. Identifiers: Orphanet 99977, MedGen C0546837, MONDO:0007576, OMIM 133239.

Allele frequency attached by ClinVar (database versions not stated): ESP Exome Variant Server 0.00008; ExAC 0.00013; gnomAD exomes 0.00017 and 0.00022; TOPMed 0.00022; gnomAD 0.00029.
gnomAD v4.1: 360 of 1,611,014 alleles (0.022%); highest among the groups gnomAD compares: Admixed American, 0.04%; no homozygotes.

Submissions (6):

Labcorp Genetics (formerly Invitae), Labcorp
Classification: Likely benign for Familial thoracic aortic aneurysm and aortic dissection. Last evaluated: 2026-01-18. Review status: criteria provided, single submitter. Criteria: Invitae Variant Classification Sherloc (09022015). Collection method: clinical testing. Allele origin: germline.

ARUP Laboratories, Molecular Genetics and Genomics, ARUP Laboratories
Classification: Likely benign. Last evaluated: 2025-03-05. Review status: criteria provided, single submitter. Criteria: ARUP Molecular Germline Variant Investigation Process 2024. Collection method: clinical testing. Allele origin: germline.

Blueprint Genetics
Classification: Likely benign. Last evaluated: 2024-02-21. Review status: criteria provided, single submitter. Criteria: ACMG Guidelines, 2015. Collection method: clinical testing. Allele origin: germline.

Fulgent Genetics
Classification: Likely benign for Malignant tumor of esophagus; Loeys-Dietz syndrome 2; Colorectal cancer, hereditary nonpolyposis, type 6. Last evaluated: 2021-09-29. Review status: criteria provided, single submitter. Criteria: ACMG Guidelines, 2015. Collection method: clinical testing. Allele origin: unknown.

Women's Health and Genetics/Laboratory Corporation of America, LabCorp
Classification: Benign. Last evaluated: 2020-12-07. Review status: criteria provided, single submitter. Criteria: LabCorp Variant Classification Summary - May 2015. Collection method: clinical testing. Allele origin: germline.
Comment: Variant summary: TGFBR2 c.263+17A>C alters a non-conserved nucleotide located close to a canonical splice site and therefore could affect mRNA splicing, leading to a significantly altered protein sequence. 4/4 computational tools predict no significant impact on normal splicing. However, these predictions have yet to be confirmed by functional studies. The variant allele was found at a frequency of 0.00017 in 250832 control chromosomes. The observed variant frequency is approximately 55- fold the estimated maximal expected allele frequency for a pathogenic variant in TGFBR2 causing Loeys-Dietz Syndrome phenotype (3.1e-06), strongly suggesting that the variant is benign. c.263+17A>C has been reported in the literature an individual affected with breast cancer (Barlow_2003). This report does not provide unequivocal conclusions about association of the variant with Loeys-Dietz Syndrome. To our knowledge, no experimental evidence demonstrating an impact on protein function has been reported. One other clinical diagnostic laboratory has submitted clinical-significance assessments for this variant to ClinVar after 2014 without evidence for independent evaluation and cited the variant as likely benign. Based on the evidence outlined above, the variant was classified as benign.

GeneDx
Classification: Likely benign. Last evaluated: 2018-01-05. Review status: criteria provided, single submitter. Criteria: GeneDx Variant Classification (06012015). Collection method: clinical testing. Allele origin: germline. Affected: yes.
Comment: This variant is considered likely benign or benign based on one or more of the following criteria: it is a conservative change, it occurs at a poorly conserved position in the protein, it is predicted to be benign by multiple in silico algorithms, and/or has population frequency not consistent with disease.

Literature cited by the submitters: PubMed 12825850 (cited by Women's Health and Genetics/Laboratory Corporation of America, LabCorp); PubMed 17319955 (cited by Women's Health and Genetics/Laboratory Corporation of America, LabCorp).